The following is an entry in ClinVar:

NM_001999.4(FBN2):c.4324G>T (p.Gly1442Cys)

Gene: FBN2 (fibrillin 2; minus strand). Cytogenetic location: 5q23.3.
Variant type: single nucleotide variant.
Coding change: c.4324G>T on transcript NM_001999.4 (MANE Select); coding-DNA position 4324, G replaced by T.
Protein change: p.Gly1442Cys; replaces glycine 1442 with cysteine.
Molecular consequence: missense variant.
Genome position (GRCh38, 1-based): chr5:128,330,594, C>A on the plus strand (G>T on the coding strand, the complement: FBN2 is on the minus strand). VCF-style: chr5-128330594-C-A. GRCh37 (hg19) VCF-style: chr5-127666286-C-A.
Other names: short protein forms G1442C.
Identifiers: ClinVar variation 2501481 (VCV002501481.1), dbSNP rs2479786297, ClinGen allele CA360753877.

ClinVar aggregate classification (germline): Uncertain significance (1 of 4 stars; one submission).

Submission:

GeneDx
Classification: Uncertain significance. Last evaluated: 2022-11-03. Review status: criteria provided, single submitter. Criteria: GeneDx Variant Classification Process June 2021. Collection method: clinical testing. Allele origin: germline. Affected: yes.
Comment: Not observed at significant frequency in large population cohorts (gnomAD); In silico analysis supports that this missense variant has a deleterious effect on protein structure/function; Has not been previously published as pathogenic or benign to our knowledge